The following continues an entry in ClinVar:

NM_000038.6(APC):c.3173A>G (p.Asp1058Gly)

Gene: APC. ClinVar aggregate classification (germline): Conflicting classifications of pathogenicity. Uncertain significance (1); Benign (8); Likely benign (12).

Submissions 17 to 31 of 31:

GeneDx
Classification: Likely benign. Last evaluated: 2017-12-19. Review status: criteria provided, single submitter. Criteria: GeneDx Variant Classification (06012015). Collection method: clinical testing. Allele origin: germline. Affected: yes.
Comment: This variant is considered likely benign or benign based on one or more of the following criteria: it is a conservative change, it occurs at a poorly conserved position in the protein, it is predicted to be benign by multiple in silico algorithms, and/or has population frequency not consistent with disease.

PreventionGenetics, part of Exact Sciences
Classification: Likely benign. Last evaluated: 2017-08-28. Review status: criteria provided, single submitter. Criteria: ACMG Guidelines, 2015. Collection method: clinical testing. Allele origin: germline.

Illumina Laboratory Services, Illumina
Classification: Likely benign for APC-Associated Polyposis Disorders. Last evaluated: 2017-04-28. Review status: criteria provided, single submitter. Criteria: ICSL Variant Classification Criteria 13 December 2019. Collection method: clinical testing. Allele origin: germline.
Comment: This variant was observed as part of a predisposition screen in an ostensibly healthy population. A literature search was performed for the gene, cDNA change, and amino acid change (where applicable). Publications were found based on this search. The evidence from the literature, in combination with allele frequency data from public databases where available, was sufficient to determine this variant is unlikely to cause disease. Therefore, this variant is classified as likely benign.

Color Diagnostics, LLC DBA Color Health
Classification: Likely benign for Hereditary cancer-predisposing syndrome. Last evaluated: 2016-03-21. Review status: criteria provided, single submitter. Criteria: ACMG Guidelines, 2015. Collection method: clinical testing. Allele origin: germline.

Ambry Genetics
Classification: Benign for Hereditary cancer-predisposing syndrome. Last evaluated: 2014-07-21. Review status: criteria provided, single submitter. Criteria: Ambry Variant Classification Scheme 2023. Collection method: clinical testing. Allele origin: germline.

True Health Diagnostics
Classification: Likely benign for Hereditary cancer-predisposing syndrome. Last evaluated: 2018-05-09. Review status: no assertion criteria provided. Collection method: clinical testing. Allele origin: germline. Not counted in ClinVar's aggregate classification.

Counsyl
Classification: Uncertain significance for Familial adenomatous polyposis 1. Last evaluated: 2015-11-24. Review status: no assertion criteria provided. Collection method: clinical testing. Allele origin: unknown. Not counted in ClinVar's aggregate classification.

ITMI
No classification provided. Condition: AllHighlyPenetrant. Last evaluated: 2013-09-19. Review status: no classification provided. Collection method: reference population. Allele origin: germline. Not counted in ClinVar's aggregate classification.
Comment: Please see associated publication for description of ethnicities

Biesecker Lab/Clinical Genomics Section, National Institutes of Health
Classification: Uncertain significance. Last evaluated: 2012-07-13. Review status: no assertion criteria provided. Collection method: research. Allele origin: germline. Affected: no. Observed: 1 variant allele. Study: ClinSeq. Not counted in ClinVar's aggregate classification.
ClinVar note: Converted during submission from variant of unknown significance to Uncertain significance.

Clinical Genetics DNA and cytogenetics Diagnostics Lab, Erasmus MC, Erasmus Medical Center
Classification: Likely benign. Review status: no assertion criteria provided. Collection method: clinical testing. Allele origin: germline. Affected: yes. Study: VKGL Data-share Consensus. Not counted in ClinVar's aggregate classification.

Clinical Genetics, Academic Medical Center
Classification: Likely benign. Review status: no assertion criteria provided. Collection method: clinical testing. Allele origin: germline. Affected: yes. Study: VKGL Data-share Consensus. Not counted in ClinVar's aggregate classification.

Department of Pathology and Laboratory Medicine, Sinai Health System
Classification: Likely benign. Review status: no assertion criteria provided. Collection method: clinical testing. Allele origin: unknown. Affected: yes. Observed: 1 variant allele. Study: The Canadian Open Genetics Repository (COGR). Not counted in ClinVar's aggregate classification.
Comment: The APC p.Asp1058Gly variant was identified in 3 of 3262 proband chromosomes (frequency: 0.001) from individuals or families with gastric cancer or FAP (Ghatak 2017, Kerr 2013). The variant was also identified in dbSNP (ID: rs148725540) as â€šÃ„ÃºWith other alleleâ€šÃ„Ã¹, ClinVar (classified as benign by Ambry Genetics, Invitae; as likely benign by Color Genomics; as uncertain significance by Counsyl and one clinical laboratory), Clinvitae, Cosmic (2x in diffuse adenocarcinoma), MutDB, LOVD 3.0 (6x conflicting interpretations of pathogenicity), and in UMD-LSDB (6x likely neutral). In UMD the variant was identified with a co-occurring pathogenic APC variant (c.2016_2017delTA,p.His672GlnfsX7), increasing the likelihood that the p.Asp1058Gly variant does not have clinical significance. The variant was not identified in GeneInsight-COGR, or Zhejiang University databases. The variant was identified in control databases in 165 of 276366 chromosomes at a frequency of 0.001 increasing the likelihood this could be a low frequency benign variant (Genome Aggregation Database Feb 27, 2017). Breakdown of the observations by population include African in 9 of 24010 chromosomes (freq: 0.0004), Other in 1 of 6458 chromosomes (freq: 0.0002), Latino in 8 of 34390 chromosomes (freq: 0.0002), European in 93 of 126014 chromosomes (freq: 0.001), Finnish in 29 of 25782 chromosomes (freq: 0.001), and South Asian in 25 of 30766 chromosomes (freq: 0.001), while the variant was not observed in the Ashkenazi Jewish, or East Asian, populations. The p.Asp1058 residue is conserved in mammals and computational analyses (PolyPhen-2, SIFT, AlignGVGD, BLOSUM, MutationTaster) provide inconsistent predictions regarding the impact to the protein; this information is not very predictive of pathogenicity. The variant occurs outside of the splicing consensus sequence and 3 of 5 in silico or computational prediction software programs (SpliceSiteFinder, MaxEntScan, NNSPLICE, GeneSplicer, HumanSpliceFinder) predict a greater than 10% difference in splicing. However, this information is not predictive enough to assume pathogenicity. In summary, based on the above information the clinical significance of this variant cannot be determined with certainty at this time although we would lean towards a more benign role for this variant. This variant is classified as likely benign.

Diagnostic Laboratory, Department of Genetics, University Medical Center Groningen
Classification: Likely benign. Review status: no assertion criteria provided. Collection method: clinical testing. Allele origin: germline. Affected: yes. Study: VKGL Data-share Consensus. Not counted in ClinVar's aggregate classification.

Genome Diagnostics Laboratory, Amsterdam University Medical Center
Classification: Likely benign. Review status: no assertion criteria provided. Collection method: clinical testing. Allele origin: germline. Affected: yes. Study: VKGL Data-share Consensus. Not counted in ClinVar's aggregate classification.

Joint Genome Diagnostic Labs from Nijmegen and Maastricht, Radboudumc and MUMC+
Classification: Likely benign. Review status: no assertion criteria provided. Collection method: clinical testing. Allele origin: germline. Affected: yes. Study: VKGL Data-share Consensus. Not counted in ClinVar's aggregate classification.

Literature cited by the submitters: PubMed 35904628 (cited by Quest Diagnostics Nichols Institute San Juan Capistrano); PubMed 35264596 (cited by Quest Diagnostics Nichols Institute San Juan Capistrano); PubMed 27930734 (cited by Quest Diagnostics Nichols Institute San Juan Capistrano and Women's Health and Genetics/Laboratory Corporation of America, LabCorp); PubMed 27153395 (cited by Quest Diagnostics Nichols Institute San Juan Capistrano and Women's Health and Genetics/Laboratory Corporation of America, LabCorp); PubMed 24728327 (cited by 6 submitters); PubMed 23159591 (cited by 6 submitters); PubMed 25604157 (cited by 3 submitters); PubMed 9950360 (cited by Mayo Clinic Laboratories, Mayo Clinic and Women's Health and Genetics/Laboratory Corporation of America, LabCorp); PubMed 25085752 (cited by Myriad Genetics, Inc.); PubMed 24599579 (cited by Women's Health and Genetics/Laboratory Corporation of America, LabCorp and Illumina Laboratory Services, Illumina); PubMed 27600092 (cited by Women's Health and Genetics/Laboratory Corporation of America, LabCorp); PubMed 21902576 (cited by Women's Health and Genetics/Laboratory Corporation of America, LabCorp); PubMed 28576136 (cited by Women's Health and Genetics/Laboratory Corporation of America, LabCorp).